The following is an entry in ClinVar:

NM_000303.3(PMM2):c.682G>C (p.Gly228Arg)

Gene: PMM2 (phosphomannomutase 2; plus strand). Cytogenetic location: 16p13.2.
Variant type: single nucleotide variant.
Coding change: c.682G>C on transcript NM_000303.3 (MANE Select); coding-DNA position 682, G replaced by C.
Protein change: p.Gly228Arg; replaces glycine 228 with arginine.
Molecular consequence: missense variant.
Genome position (GRCh38, 1-based): chr16:8,847,766, G>C. VCF-style: chr16-8847766-G-C. GRCh37 (hg19) VCF-style: chr16-8941623-G-C.
Other names: c.682G>C (NM_000303.2); short protein forms G228R.
Identifiers: ClinVar variation 2137780 (VCV002137780.5), dbSNP rs558826439, ClinGen allele CA7894203.

ClinVar aggregate classification (germline): Likely pathogenic. Review status: criteria provided, multiple submitters, no conflicts (2 of 4 stars). 2 submissions from 2 submitters: Likely pathogenic (2). Last evaluated 2024-05-29.

Conditions:
PMM2-congenital disorder of glycosylation. Also called: JAEKEN SYNDROME; PHOSPHOMANNOMUTASE 2 DEFICIENCY; CARBOHYDRATE-DEFICIENT GLYCOPROTEIN SYNDROME, TYPE Ia; Congenital disorder of glycosylation, type Ia; CDG Ia; PMM2-CDG. Identifiers: Orphanet 79318, MedGen C0349653, MONDO:0008907, OMIM 212065.

Allele frequency attached by ClinVar (database versions not stated): ExAC 0.00001; gnomAD 0.00001; 1000 Genomes Project 30x 0.00016; 1000 Genomes Project 0.00020.

Submissions (2):

Natera, Inc.
Classification: Likely pathogenic for Congenital disorder of glycosylation type 1a. Last evaluated: 2024-05-29. Review status: criteria provided, single submitter. Criteria: Natera Variant Classification Schema (03/2026). Collection method: clinical testing. Allele origin: germline.
Comment: The c.682G>C variant in PMM2 is a missense variant predicted to cause substitution of glycine to arginine at amino acid 228. This variant is rare in the general population with a frequency below the threshold expected for the associated phenotype(s). This variant has been observed in one or more individuals affected with the associated recessive disease, as either homozygous or compound heterozygous with a second variant (PMID: 11142762). A different variant at the same position has been determined to be Pathogenic or Likely Pathogenic. Computational prediction algorithms indicate this variant is likely to affect gene or protein function. Given the available evidence, this variant is classified as Likely Pathogenic.

Labcorp Genetics (formerly Invitae), Labcorp
Classification: Likely pathogenic for PMM2-congenital disorder of glycosylation. Last evaluated: 2022-11-29. Review status: criteria provided, single submitter. Criteria: Invitae Variant Classification Sherloc (09022015). Collection method: clinical testing. Allele origin: germline.
Comment: Advanced modeling of protein sequence and biophysical properties (such as structural, functional, and spatial information, amino acid conservation, physicochemical variation, residue mobility, and thermodynamic stability) performed at Invitae indicates that this missense variant is expected to disrupt PMM2 protein function. This missense change has been observed in individual(s) with PMM2-congenital disorder of glycosylation (PMID: 11058896). This variant is present in population databases (rs558826439, gnomAD 0.006%). This sequence change replaces glycine, which is neutral and non-polar, with arginine, which is basic and polar, at codon 228 of the PMM2 protein (p.Gly228Arg). This variant disrupts the p.Gly228 amino acid residue in PMM2. Other variant(s) that disrupt this residue have been determined to be pathogenic (PMID: 10527672, 11058895, 23045520, 25192236, 28425223). This suggests that this residue is clinically significant, and that variants that disrupt this residue are likely to be disease-causing. In summary, the currently available evidence indicates that the variant is pathogenic, but additional data are needed to prove that conclusively. Therefore, this variant has been classified as Likely Pathogenic.

Literature cited by the submitters: PubMed 11142762 (cited by Natera, Inc.); PubMed 11058896 (cited by Labcorp Genetics (formerly Invitae), Labcorp); PubMed 10527672 (cited by Labcorp Genetics (formerly Invitae), Labcorp); PubMed 11058895 (cited by Labcorp Genetics (formerly Invitae), Labcorp); PubMed 23045520 (cited by Labcorp Genetics (formerly Invitae), Labcorp); PubMed 25192236 (cited by Labcorp Genetics (formerly Invitae), Labcorp); PubMed 28425223 (cited by Labcorp Genetics (formerly Invitae), Labcorp).